The following is an entry in ClinVar:

NM_006397.3(RNASEH2A):c.323G>A (p.Arg108Gln)

Gene: RNASEH2A (ribonuclease H2 subunit A; plus strand). Cytogenetic location: 19p13.13.
Variant type: single nucleotide variant.
Coding change: c.323G>A on transcript NM_006397.3 (MANE Select); coding-DNA position 323, G replaced by A.
Protein change: p.Arg108Gln; replaces arginine 108 with glutamine.
Molecular consequence: missense variant.
Genome position (GRCh38, 1-based): chr19:12,807,329, G>A. VCF-style: chr19-12807329-G-A. GRCh37 (hg19) VCF-style: chr19-12918143-G-A.
Other names: short protein forms R108Q.
Identifiers: ClinVar variation 853565 (VCV000853565.7), dbSNP rs1232764867, ClinGen allele CA404265449.

ClinVar aggregate classification (germline): Uncertain significance (1 of 4 stars; one submission).

Conditions:
Aicardi-Goutieres syndrome 4. Identifiers: Orphanet 51, MedGen C1835912, MONDO:0012472, OMIM 610333.

Allele frequency attached by ClinVar (database versions not stated): gnomAD exomes below 0.00001; gnomAD 0.00001; TOPMed 0.00001.
gnomAD v4.1: 2 of 1,614,032 alleles (0.00012%); highest among the groups gnomAD compares: African/African-American, 0.0013%; no homozygotes.

Submission:

Labcorp Genetics (formerly Invitae), Labcorp
Classification: Uncertain significance for Aicardi-Goutieres syndrome 4. Last evaluated: 2021-08-31. Review status: criteria provided, single submitter. Criteria: Invitae Variant Classification Sherloc (09022015). Collection method: clinical testing. Allele origin: germline.
Comment: This sequence change replaces arginine with glutamine at codon 108 of the RNASEH2A protein (p.Arg108Gln). The arginine residue is highly conserved and there is a small physicochemical difference between arginine and glutamine. This variant also falls at the last nucleotide of exon 3, which is part of the consensus splice site for this exon. This variant is not present in population databases (ExAC no frequency). This missense change has been observed in individual(s) with clinical features of Aicardi Goutieres syndrome (PMID: 25604658). Algorithms developed to predict the effect of missense changes on protein structure and function are either unavailable or do not agree on the potential impact of this missense change (SIFT: "Tolerated"; PolyPhen-2: "Possibly Damaging"; Align-GVGD: "Class C0"). Variants that disrupt the consensus splice site are a relatively common cause of aberrant splicing (PMID: 17576681, 9536098). Algorithms developed to predict the effect of sequence changes on RNA splicing suggest that this variant may disrupt the consensus splice site. In summary, the available evidence is currently insufficient to determine the role of this variant in disease. Therefore, it has been classified as a Variant of Uncertain Significance.

Literature cited by the submitters: PubMed 25604658; PubMed 17576681; PubMed 9536098.